The following is an entry in ClinVar:

ClinVar aggregate classification (germline): Uncertain significance. Review status: criteria provided, multiple submitters, no conflicts (2 of 4 stars). 2 submissions from 2 submitters: Uncertain significance (2). Last evaluated 2025-08-11.

Conditions:
Achromatopsia 3 (ACHM3). Also called: PINGELAPESE BLINDNESS; TOTAL COLORBLINDNESS WITH MYOPIA; ROD MONOCHROMACY 1; ROD MONOCHROMATISM 1; ACHROMATOPSIA WITH MYOPIA. Identifiers: Orphanet 49382, MedGen C1849792, MONDO:0009875, OMIM 262300.

Allele frequency attached by ClinVar (database versions not stated): ESP Exome Variant Server 0.00008.
gnomAD v4.1: 24 of 1,613,738 alleles (0.0015%); highest among the groups gnomAD compares: Admixed American, 0.005%; no homozygotes.

Submissions (2):

Myriad Genetics, Inc.
Classification: Uncertain significance for Achromatopsia 3. Last evaluated: 2025-08-11. Review status: criteria provided, single submitter. Criteria: Myriad Autosomal Dominant, Autosomal Recessive and X-Linked Classification Criteria (2023). Collection method: clinical testing. Allele origin: unknown.
Comment: NM_019098.4(CNGB3):c.767C>T(A256V) is a missense variant classified as a variant of uncertain significance in the context of achromatopsia, CNGB3-related. A256V has not been observed in cases with relevant disease. Relevant functional assessments of this variant are not available in the literature. A256V has been observed in referenced population frequency databases. In summary, there is insufficient evidence to classify NM_019098.4(CNGB3):c.767C>T(A256V) as pathogenic or benign. Please note: this variant was assessed in the context of healthy population screening.

Labcorp Genetics (formerly Invitae), Labcorp
Classification: Uncertain significance. Last evaluated: 2022-05-04. Review status: criteria provided, single submitter. Criteria: Invitae Variant Classification Sherloc (09022015). Collection method: clinical testing. Allele origin: germline.
Comment: This sequence change replaces alanine, which is neutral and non-polar, with valine, which is neutral and non-polar, at codon 256 of the CNGB3 protein (p.Ala256Val). This variant is present in population databases (rs369083450, gnomAD 0.006%). This variant has not been reported in the literature in individuals affected with CNGB3-related conditions. Advanced modeling of protein sequence and biophysical properties (such as structural, functional, and spatial information, amino acid conservation, physicochemical variation, residue mobility, and thermodynamic stability) performed at Invitae indicates that this missense variant is not expected to disrupt CNGB3 protein function. In summary, the available evidence is currently insufficient to determine the role of this variant in disease. Therefore, it has been classified as a Variant of Uncertain Significance.

NM_019098.5(CNGB3):c.767C>T (p.Ala256Val)

Gene: CNGB3 (cyclic nucleotide gated channel subunit beta 3; minus strand). Cytogenetic location: 8q21.3.
Variant type: single nucleotide variant.
Coding change: c.767C>T on transcript NM_019098.5 (MANE Select); coding-DNA position 767, C replaced by T.
Protein change: p.Ala256Val; replaces alanine 256 with valine.
Molecular consequence: missense variant.
Genome position (GRCh38, 1-based): chr8:86,667,010, G>A on the plus strand (C>T on the coding strand, the complement: CNGB3 is on the minus strand). VCF-style: chr8-86667010-G-A. GRCh37 (hg19) VCF-style: chr8-87679238-G-A.
Other names: short protein forms A256V.
Identifiers: ClinVar variation 2188414 (VCV002188414.2), dbSNP rs369083450, ClinGen allele CA4800280.